The following is an entry in ClinVar:

ClinVar aggregate classification (germline): Benign. Review status: criteria provided, multiple submitters, no conflicts (2 of 4 stars). 4 submissions from 4 submitters: Benign (3). 1 of the submissions does not count toward it. Last evaluated 2021-05-04.

Conditions:
DNAH17-related disorder. Also called: DNAH17-related condition.

Allele frequency attached by ClinVar (database versions not stated): gnomAD exomes 0.08761 and 0.09324; ExAC 0.09081; 1000 Genomes Project 0.10703; 1000 Genomes Project 30x 0.10931; gnomAD 0.11123 and 0.11233; TOPMed 0.11411; ESP Exome Variant Server 0.11733.
gnomAD v4.1: 153,467 of 1,613,696 alleles (9.5%); highest among the groups gnomAD compares: African/African-American, 18%; 8,011 homozygotes.

Submissions (4):

GeneDx
Classification: Benign. Last evaluated: 2021-05-04. Review status: criteria provided, single submitter. Criteria: GeneDx Variant Classification Process June 2021. Collection method: clinical testing. Allele origin: germline. Affected: yes.

Laboratory for Molecular Medicine, Mass General Brigham Personalized Medicine
Classification: Benign. Last evaluated: 2016-03-29. Review status: criteria provided, single submitter. Criteria: LMM Criteria. Collection method: clinical testing. Allele origin: germline.
Comment: Variant identified in a genome or exome case(s) and assessed due to predicted null impact of the variant or pathogenic assertions in the literature or databases. Disclaimer: This variant has not undergone full assessment. The following are preliminary notes: Frequency

Breakthrough Genomics
Classification: Benign. Review status: criteria provided, single submitter. Criteria: ACMG Guidelines, 2015. Collection method: not provided. Allele origin: germline. Inheritance: Autosomal recessive inheritance. Affected: yes.

PreventionGenetics, part of Exact Sciences
Classification: Benign for DNAH17-related condition. Last evaluated: 2019-11-20. Review status: no assertion criteria provided. Collection method: clinical testing. Allele origin: germline. Not counted in ClinVar's aggregate classification.
Comment: This variant is classified as benign based on ACMG/AMP sequence variant interpretation guidelines (Richards et al. 2015 PMID: 25741868, with internal and published modifications).

NM_173628.4(DNAH17):c.13125C>T (p.Tyr4375=)

Gene: DNAH17 (dynein axonemal heavy chain 17; minus strand). Cytogenetic location: 17q25.3.
Variant type: single nucleotide variant.
Coding change: c.13125C>T on transcript NM_173628.4 (MANE Select); coding-DNA position 13125, C replaced by T.
Protein change: p.Tyr4375=; no amino-acid change (tyrosine 4375 retained).
Molecular consequence: synonymous variant.
Genome position (GRCh38, 1-based): chr17:78,425,362, G>A on the plus strand (C>T on the coding strand, the complement: DNAH17 is on the minus strand). VCF-style: chr17-78425362-G-A. GRCh37 (hg19) VCF-style: chr17-76421443-G-A.
Identifiers: ClinVar variation 402669 (VCV000402669.10), dbSNP rs1134541, ClinGen allele CA8799639.
Genomic context (GRCh38, chr17:78,425,362, plus strand): 5'-ACTGGCTCTGGAAGCTTCTGCAGACAGACAAGAGCCCTCCTTACCTTCCATGAAGAGTCC[G>A]TACACGTAGGAGCCCTCTCGCGGAGGAGCGGTCATGTCCTCTCGGTTTTTCTTGGTCACC-3'
Protein context (NP_775899.3, residues 4365-4385): TAPPREGSYV[Tyr4375=]GLFMEGARWD